The following is an entry in ClinVar:

ClinVar aggregate classification (germline): Benign. Review status: criteria provided, multiple submitters, no conflicts (2 of 4 stars). 5 submissions from 5 submitters: Benign (5). Last evaluated 2026-02-02.

Conditions:
Retinal dystrophy. Also called: Inherited retinal dystrophy. Identifiers: Orphanet 71862, MedGen C0854723, MeSH D058499, MONDO:0019118, HP:0000556.
Retinitis pigmentosa (RP). Identifiers: Orphanet 791, MedGen C0035334, MeSH D012174, MONDO:0019200, OMIM 268000. Inheritance: Autosomal dominant, autosomal recessive and X linked inheritance.

Allele frequency attached by ClinVar (database versions not stated): ESP Exome Variant Server 0.01907; gnomAD 0.02252; gnomAD exomes 0.02942 and 0.04885; 1000 Genomes Project 0.03135; 1000 Genomes Project 30x 0.03451; TOPMed 0.03663; ExAC 0.04138.
gnomAD v4.1: 47,433 of 1,613,700 alleles (2.9%); highest among the groups gnomAD compares: Admixed American, 17%; 1,561 homozygotes.

Submissions (5):

Labcorp Genetics (formerly Invitae), Labcorp
Classification: Benign. Last evaluated: 2026-02-02. Review status: criteria provided, single submitter. Criteria: Invitae Variant Classification Sherloc (09022015). Collection method: clinical testing. Allele origin: germline.

Dept Of Ophthalmology, Nagoya University
Classification: Benign for Retinal dystrophy. Last evaluated: 2023-10-01. Review status: criteria provided, single submitter. Criteria: Submitter's publication. Collection method: research. Allele origin: germline. Affected: yes.

Illumina Laboratory Services, Illumina
Classification: Benign for Retinitis pigmentosa. Last evaluated: 2018-01-13. Review status: criteria provided, single submitter. Criteria: ICSL Variant Classification Criteria 13 December 2019. Collection method: clinical testing. Allele origin: germline.
Comment: This variant was observed in the ICSL laboratory as part of a predisposition screen in an ostensibly healthy population. It had not been previously curated by ICSL or reported in the Human Gene Mutation Database (HGMD: prior to June 1st, 2018), and was therefore a candidate for classification through an automated scoring system. Utilizing variant allele frequency, disease prevalence and penetrance estimates, and inheritance mode, an automated score was calculated to assess if this variant is too frequent to cause the disease. Based on the score and internal cut-off values, a variant classified as benign is not then subjected to further curation. The score for this variant resulted in a classification of benign for this disease.

Eurofins Ntd Llc (ga)
Classification: Benign. Last evaluated: 2016-03-24. Review status: criteria provided, single submitter. Criteria: EGL Classification Definitions 2015. Collection method: clinical testing. Allele origin: germline. Observed: 3 variant alleles, 3 heterozygotes.

Breakthrough Genomics
Classification: Benign. Review status: criteria provided, single submitter. Criteria: ACMG Guidelines, 2015. Collection method: not provided. Allele origin: germline. Inheritance: Unknown mechanism. Affected: yes.

NM_001029883.3(PCARE):c.2889C>T (p.Ser963=)

Gene: PCARE (photoreceptor cilium actin regulator; minus strand). Cytogenetic location: 2p23.2.
Variant type: single nucleotide variant.
Coding change: c.2889C>T on transcript NM_001029883.3 (MANE Select); coding-DNA position 2889, C replaced by T.
Protein change: p.Ser963=; no amino-acid change (serine 963 retained).
Molecular consequence: synonymous variant.
Genome position (GRCh38, 1-based): chr2:29,071,373, G>A on the plus strand (C>T on the coding strand, the complement: PCARE is on the minus strand). VCF-style: chr2-29071373-G-A. GRCh37 (hg19) VCF-style: chr2-29294239-G-A.
Identifiers: ClinVar variation 286246 (VCV000286246.19), dbSNP rs144569618, ClinGen allele CA1592092.